The following is an entry in ClinVar:

ClinVar aggregate classification (germline): Uncertain significance (1 of 4 stars; one submission).

Allele frequency attached by ClinVar (database versions not stated): ExAC 0.00002; gnomAD 0.00004; TOPMed 0.00004; 1000 Genomes Project 30x 0.00016; ESP Exome Variant Server 0.00016; 1000 Genomes Project 0.00020.
gnomAD v4.1: 106 of 1,606,622 alleles (0.0066%); highest among the groups gnomAD compares: Non-Finnish European, 0.0078%; 1 homozygote.

Submission:

Labcorp Genetics (formerly Invitae), Labcorp
Classification: Uncertain significance. Last evaluated: 2025-09-03. Review status: criteria provided, single submitter. Criteria: Invitae Variant Classification Sherloc (09022015). Collection method: clinical testing. Allele origin: germline.
Comment: This sequence change replaces glutamic acid, which is acidic and polar, with lysine, which is basic and polar, at codon 143 of the ACAN protein (p.Glu143Lys). This variant is present in population databases (rs372286756, gnomAD 0.007%). This variant has not been reported in the literature in individuals affected with ACAN-related conditions. ClinVar contains an entry for this variant (Variation ID: 2180549). Invitae Evidence Modeling of protein sequence and biophysical properties (such as structural, functional, and spatial information, amino acid conservation, physicochemical variation, residue mobility, and thermodynamic stability) indicates that this missense variant is not expected to disrupt ACAN protein function with a negative predictive value of 80%. In summary, the available evidence is currently insufficient to determine the role of this variant in disease. Therefore, it has been classified as a Variant of Uncertain Significance.

NM_001369268.1(ACAN):c.427G>A (p.Glu143Lys)

Gene: ACAN (aggrecan; plus strand). Cytogenetic location: 15q26.1.
Variant type: single nucleotide variant.
Coding change: c.427G>A on transcript NM_001369268.1 (MANE Select); coding-DNA position 427, G replaced by A.
Protein change: p.Glu143Lys; replaces glutamic acid 143 with lysine.
Molecular consequence: missense variant.
Genome position (GRCh38, 1-based): chr15:88,839,019, G>A. VCF-style: chr15-88839019-G-A. GRCh37 (hg19) VCF-style: chr15-89382250-G-A.
Other names: c.427G>A, p.Glu143Lys (NM_001135.4, NM_001411096.1, NM_001411097.1 and 1 more transcripts); short protein forms E143K.
Identifiers: ClinVar variation 2180549 (VCV002180549.4), dbSNP rs372286756, ClinGen allele CA7719216.
Genomic context (GRCh38, chr15:88,839,019, plus strand): 5'-CTGCGCTCCAATGACTCTGGGGTCTACCGCTGCGAGGTGATGCATGGCATCGAGGACAGC[G>A]AGGCCACCCTGGAAGTCGTGGTGAAAGGTGAGAGCCTCCCACAGGGACAGACGCTGCTTC-3'
Protein context (NP_001356197.1, residues 133-153): CEVMHGIEDS[Glu143Lys]ATLEVVVKGI